The following is an entry in ClinVar:

NM_001851.6(COL9A1):c.758A>G (p.His253Arg)

Gene: COL9A1 (collagen type IX alpha 1 chain; minus strand). Cytogenetic location: 6q13.
Variant type: single nucleotide variant.
Coding change: c.758A>G on transcript NM_001851.6 (MANE Select); coding-DNA position 758, A replaced by G.
Protein change: p.His253Arg; replaces histidine 253 with arginine.
Molecular consequence: missense variant.
Genome position (GRCh38, 1-based): chr6:70,283,759, T>C on the plus strand (A>G on the coding strand, the complement: COL9A1 is on the minus strand). VCF-style: chr6-70283759-T-C. GRCh37 (hg19) VCF-style: chr6-70993462-T-C.
Other names: c.758A>G, p.His253Arg (NM_001377291.1); short protein forms H253R.
Identifiers: ClinVar variation 959860 (VCV000959860.10), dbSNP rs747074497, ClinGen allele CA3882728.
Genomic context (GRCh38, chr6:70,283,759, plus strand): 5'-GGGTAGAAGTGGCCTTTGCAGGTAGTCAGGGGACTCACCGTTATTCTGGCTGGCAGCTCA[T>C]GGCAAGTTTCTCTCCTGGGCCGCAGGGGGTCACAATGGATCAGCATCCATTGAAGTTCAA-3'
Protein context (NP_001842.3, residues 243-263): DPLRPRRETC[His253Arg]ELPARITPSQ

ClinVar aggregate classification (germline): Uncertain significance. Review status: criteria provided, multiple submitters, no conflicts (2 of 4 stars). 2 submissions from 2 submitters: Uncertain significance (2). Last evaluated 2025-12-22.

Conditions:
Inborn genetic diseases. Identifiers: MedGen C0950123, MeSH D030342.

Allele frequency attached by ClinVar (database versions not stated): ExAC 0.00001; gnomAD exomes below 0.00001.
gnomAD v4.1: 2 of 1,611,938 alleles (0.00012%); highest among the groups gnomAD compares: Admixed American, 0.0017%; no homozygotes.

Submissions (2):

Ambry Genetics
Classification: Uncertain significance for Inborn genetic diseases. Last evaluated: 2025-12-22. Review status: criteria provided, single submitter. Criteria: Ambry Variant Classification Scheme 2023. Collection method: clinical testing. Allele origin: germline.

Labcorp Genetics (formerly Invitae), Labcorp
Classification: Uncertain significance. Last evaluated: 2022-06-04. Review status: criteria provided, single submitter. Criteria: Invitae Variant Classification Sherloc (09022015). Collection method: clinical testing. Allele origin: germline.
Comment: In summary, the available evidence is currently insufficient to determine the role of this variant in disease. Therefore, it has been classified as a Variant of Uncertain Significance. Algorithms developed to predict the effect of sequence changes on RNA splicing suggest that this variant may create or strengthen a splice site. Advanced modeling of protein sequence and biophysical properties (such as structural, functional, and spatial information, amino acid conservation, physicochemical variation, residue mobility, and thermodynamic stability) performed at Invitae indicates that this missense variant is not expected to disrupt COL9A1 protein function. ClinVar contains an entry for this variant (Variation ID: 959860). This variant has not been reported in the literature in individuals affected with COL9A1-related conditions. This variant is present in population databases (rs747074497, gnomAD 0.003%). This sequence change replaces histidine, which is basic and polar, with arginine, which is basic and polar, at codon 253 of the COL9A1 protein (p.His253Arg).